The following is an entry in ClinVar:

ClinVar aggregate classification (germline): Uncertain significance (1 of 4 stars; one submission).

Allele frequency attached by ClinVar (database versions not stated): TOPMed below 0.00001; gnomAD exomes 0.00001.

Submission:

Labcorp Genetics (formerly Invitae), Labcorp
Classification: Uncertain significance. Last evaluated: 2022-10-17. Review status: criteria provided, single submitter. Criteria: Invitae Variant Classification Sherloc (09022015). Collection method: clinical testing. Allele origin: germline.
Comment: In summary, the available evidence is currently insufficient to determine the role of this variant in disease. Therefore, it has been classified as a Variant of Uncertain Significance. This sequence change replaces arginine, which is basic and polar, with leucine, which is neutral and non-polar, at codon 14 of the COA3 protein (p.Arg14Leu). This variant is not present in population databases (gnomAD no frequency). This variant has not been reported in the literature in individuals affected with COA3-related conditions. Algorithms developed to predict the effect of missense changes on protein structure and function (SIFT, PolyPhen-2, Align-GVGD) all suggest that this variant is likely to be tolerated.

NM_001040431.3(COA3):c.41G>T (p.Arg14Leu)

Genes: COA3 (cytochrome c oxidase assembly factor 3; minus strand), LOC130060927 (ATAC-STARR-seq lymphoblastoid active region 12224; plus strand). Cytogenetic location: 17q21.2.
Variant type: single nucleotide variant.
Coding change: c.41G>T on transcript NM_001040431.3 (MANE Select); coding-DNA position 41, G replaced by T.
Protein change: p.Arg14Leu; replaces arginine 14 with leucine.
Molecular consequence: missense variant.
Genome position (GRCh38, 1-based): chr17:42,798,641, C>A on the plus strand (G>T on the coding strand, the complement: COA3 is on the minus strand). VCF-style: chr17-42798641-C-A. GRCh37 (hg19) VCF-style: chr17-40950659-C-A.
Other names: short protein forms R14L.
Identifiers: ClinVar variation 1953246 (VCV001953246.5), dbSNP rs2054715204, ClinGen allele CA399675317.